The following is an entry in ClinVar:

NM_019098.5(CNGB3):c.2420C>G (p.Ala807Gly)

Gene: CNGB3 (cyclic nucleotide gated channel subunit beta 3; minus strand). Cytogenetic location: 8q21.3.
Variant type: single nucleotide variant.
Coding change: c.2420C>G on transcript NM_019098.5 (MANE Select); coding-DNA position 2420, C replaced by G.
Protein change: p.Ala807Gly; replaces alanine 807 with glycine.
Molecular consequence: missense variant.
Genome position (GRCh38, 1-based): chr8:86,575,814, G>C on the plus strand (C>G on the coding strand, the complement: CNGB3 is on the minus strand). VCF-style: chr8-86575814-G-C. GRCh37 (hg19) VCF-style: chr8-87588042-G-C.
Other names: short protein forms A807G.
Identifiers: ClinVar variation 363866 (VCV000363866.61), dbSNP rs142846289, ClinGen allele CA4799726.

ClinVar aggregate classification (germline): Conflicting classifications of pathogenicity. Review status: criteria provided, conflicting classifications (1 of 4 stars). 11 submissions from 10 submitters: Uncertain significance (2); Likely benign (4). 5 of the submissions do not count toward it. Last evaluated 2026-02-04.

Conditions:
Achromatopsia 3 (ACHM3). Also called: PINGELAPESE BLINDNESS; TOTAL COLORBLINDNESS WITH MYOPIA; ROD MONOCHROMACY 1; ROD MONOCHROMATISM 1; ACHROMATOPSIA WITH MYOPIA. Identifiers: Orphanet 49382, MedGen C1849792, MONDO:0009875, OMIM 262300.
Retinal dystrophy. Also called: Inherited retinal dystrophy. Identifiers: Orphanet 71862, MedGen C0854723, MeSH D058499, MONDO:0019118, HP:0000556.
Achromatopsia. Also called: Rod monochromatism. Identifiers: Orphanet 49382, MedGen C0152200, MONDO:0018852, HP:0011516.
Severe early-childhood-onset retinal dystrophy (STGD1). Also called: MACULAR DYSTROPHY WITH FLECKS, TYPE 1; STGD; Stargardt macular dystrophy; Juvenile onset macular degeneration; Stargardt disease 1. Identifiers: Orphanet 364055, Orphanet 827, MedGen C1855465, MeSH D000080362, MONDO:0009549, OMIM 248200.

Allele frequency attached by ClinVar (database versions not stated): 1000 Genomes Project 0.00200; TOPMed 0.00232; 1000 Genomes Project 30x 0.00250; ESP Exome Variant Server 0.00277; gnomAD 0.00300; gnomAD exomes 0.00330 and 0.00354; ExAC 0.00378.
gnomAD v4.1: 5,239 of 1,613,408 alleles (0.32%); highest among the groups gnomAD compares: Non-Finnish European, 0.35%; 13 homozygotes.

Submissions (11):

Labcorp Genetics (formerly Invitae), Labcorp
Classification: Likely benign. Last evaluated: 2026-02-04. Review status: criteria provided, single submitter. Criteria: Invitae Variant Classification Sherloc (09022015). Collection method: clinical testing. Allele origin: germline.

CeGaT Center for Human Genetics Tuebingen
Classification: Likely benign. Last evaluated: 2025-11-01. Review status: criteria provided, single submitter. Criteria: CeGaT Center For Human Genetics Tuebingen Variant Classification Criteria Version 2. Collection method: clinical testing. Allele origin: germline. Affected: yes. Observed: 11 variant alleles.
Comment: CNGB3: BS2

Blueprint Genetics
Classification: Likely benign. Last evaluated: 2024-11-26. Review status: criteria provided, single submitter. Criteria: ACMG Guidelines, 2015. Collection method: clinical testing. Allele origin: germline.

GeneDx
Classification: Likely benign. Last evaluated: 2020-03-26. Review status: criteria provided, single submitter. Criteria: GeneDx Variant Classification Process June 2021. Collection method: clinical testing. Allele origin: germline. Affected: yes.

Illumina Laboratory Services, Illumina
Classification: Uncertain significance for Achromatopsia 3. Last evaluated: 2018-01-13. Review status: criteria provided, single submitter. Criteria: ICSL Variant Classification Criteria 13 December 2019. Collection method: clinical testing. Allele origin: germline.

Illumina Laboratory Services, Illumina
Classification: Uncertain significance for Severe early-childhood-onset retinal dystrophy. Last evaluated: 2018-01-13. Review status: criteria provided, single submitter. Criteria: ICSL Variant Classification Criteria 13 December 2019. Collection method: clinical testing. Allele origin: germline.

Natera, Inc.
Classification: Benign for Achromatopsia. Last evaluated: 2019-10-18. Review status: no assertion criteria provided. Collection method: clinical testing. Allele origin: germline. Not counted in ClinVar's aggregate classification.

Institute of Human Genetics, Univ. Regensburg, Univ. Regensburg
Classification: Uncertain significance for Retinal dystrophy. Last evaluated: 2015-01-01. Review status: no assertion criteria provided. Criteria: ACMG Guidelines, 2015. Collection method: clinical testing. Allele origin: germline. Affected: yes. Not counted in ClinVar's aggregate classification.

Clinical Genetics DNA and cytogenetics Diagnostics Lab, Erasmus MC, Erasmus Medical Center
Classification: Likely benign. Review status: no assertion criteria provided. Collection method: clinical testing. Allele origin: germline. Affected: yes. Study: VKGL Data-share Consensus. Not counted in ClinVar's aggregate classification.

Clinical Genetics, Academic Medical Center
Classification: Benign. Review status: no assertion criteria provided. Collection method: clinical testing. Allele origin: germline. Affected: yes. Study: VKGL Data-share Consensus. Not counted in ClinVar's aggregate classification.

Joint Genome Diagnostic Labs from Nijmegen and Maastricht, Radboudumc and MUMC+
Classification: Likely benign. Review status: no assertion criteria provided. Collection method: clinical testing. Allele origin: germline. Affected: yes. Study: VKGL Data-share Consensus. Not counted in ClinVar's aggregate classification.